The following is an entry in ClinVar:

ClinVar aggregate classification (germline): Likely benign (1 of 4 stars; one submission).

gnomAD v4.1: 12 of 1,607,774 alleles (0.00075%); highest among the groups gnomAD compares: South Asian, 0.011%; no homozygotes.

Submission:

Center for Genomic Medicine, Rigshospitalet, Copenhagen University Hospital
Classification: Likely benign. Last evaluated: 2025-12-29. Review status: criteria provided, single submitter. Criteria: ACMG Guidelines, 2015. Collection method: clinical testing. Allele origin: germline.
Comment: Classification criteria: BS1_supporting, BP4_supporting, BP7_supporting

NM_007294.4(BRCA1):c.5467+44A>G

Gene: BRCA1 (BRCA1 DNA repair associated; minus strand). Cytogenetic location: 17q21.31.
Variant type: single nucleotide variant.
Coding change: c.5467+44A>G on transcript NM_007294.4 (MANE Select); 44 bases into the intron after coding-DNA position 5467, A replaced by G.
Molecular consequence: intron variant.
Genome position (GRCh38, 1-based): chr17:43,047,599, T>C on the plus strand (A>G on the coding strand, the complement: BRCA1 is on the minus strand). VCF-style: chr17-43047599-T-C. GRCh37 (hg19) VCF-style: chr17-41199616-T-C.
Other names: c.5458+44A>G (NM_001407645.1, NM_001407644.1); c.5461+44A>G (NM_001407628.1, NM_001407637.1, NM_001407641.1 and 13 more transcripts); c.5390+44A>G (NM_001407860.1, NM_001407858.1, NM_001407859.1); c.5464+44A>G (NM_001407611.1, NM_001407624.1, NM_001407616.1 and 14 more transcripts); c.5527+44A>G (NM_001407590.1, NM_001407591.1); c.2032+44A>G (NM_001408443.1, NM_001408439.1, NM_001408432.1 and 10 more transcripts); c.2035+44A>G (NM_001408425.1, NM_001408427.1, NM_001408431.1 and 4 more transcripts); c.5338+44A>G (NM_001407681.1, NM_001407689.1, NM_001407687.1 and 6 more transcripts); and 83 more.
Identifiers: ClinVar variation 4539177 (VCV004539177.1).